The following is an entry in ClinVar:

ClinVar aggregate classification (germline): Likely benign. Review status: criteria provided, multiple submitters, no conflicts (2 of 4 stars). 2 submissions from 2 submitters: Likely benign (2). Last evaluated 2024-10-09.

Conditions:
Spastic paraplegia. Identifiers: MedGen C0037772, HP:0001258.

Submissions (2):

Labcorp Genetics (formerly Invitae), Labcorp
Classification: Likely benign for Spastic paraplegia. Last evaluated: 2024-10-09. Review status: criteria provided, single submitter. Criteria: Invitae Variant Classification Sherloc (09022015). Collection method: clinical testing. Allele origin: germline.

GeneDx
Classification: Likely benign. Last evaluated: 2017-10-26. Review status: criteria provided, single submitter. Criteria: GeneDx Variant Classification (06012015). Collection method: clinical testing. Allele origin: germline. Affected: yes.
Comment: This variant is considered likely benign or benign based on one or more of the following criteria: it is a conservative change, it occurs at a poorly conserved position in the protein, it is predicted to be benign by multiple in silico algorithms, and/or has population frequency not consistent with disease.

NM_004984.4(KIF5A):c.2198+19G>T

Gene: KIF5A (kinesin family member 5A; plus strand). Cytogenetic location: 12q13.3.
Variant type: single nucleotide variant.
Coding change: c.2198+19G>T on transcript NM_004984.4 (MANE Select); 19 bases into the intron after coding-DNA position 2198, G replaced by T.
Molecular consequence: intron variant.
Genome position (GRCh38, 1-based): chr12:57,576,397, G>T. VCF-style: chr12-57576397-G-T. GRCh37 (hg19) VCF-style: chr12-57970180-G-T.
Other names: c.1931+19G>T (NM_001354705.2).
Identifiers: ClinVar variation 512892 (VCV000512892.3), dbSNP rs932182752, ClinGen allele CA658797929.